The following is an entry in ClinVar:

ClinVar aggregate classification (germline): Uncertain significance (1 of 4 stars; one submission).

Conditions:
Cenani-Lenz syndactyly syndrome. Also called: CENANI SYNDACTYLISM; SYNDACTYLY, TYPE VII. Identifiers: Orphanet 3258, MedGen C1859309, MONDO:0008931, OMIM 212780.
Sclerosteosis 2 (SOST2). Identifiers: Orphanet 3152, MedGen C3280402, MONDO:0013679, OMIM 614305.
Congenital myasthenic syndrome 17. Identifiers: Orphanet 590, MedGen C4225377, MONDO:0014578, OMIM 616304.

Allele frequency attached by ClinVar (database versions not stated): gnomAD exomes below 0.00001 and 0.00001; TOPMed below 0.00001; ExAC 0.00001.
gnomAD v4.1: 7 of 1,614,140 alleles (0.00043%); highest among the groups gnomAD compares: South Asian, 0.0011%; no homozygotes.

Submission:

Labcorp Genetics (formerly Invitae), Labcorp
Classification: Uncertain significance for Cenani-Lenz syndactyly syndrome; Sclerosteosis 2; Congenital myasthenic syndrome 17. Last evaluated: 2021-08-31. Review status: criteria provided, single submitter. Criteria: Invitae Variant Classification Sherloc (09022015). Collection method: clinical testing. Allele origin: germline.
Comment: This sequence change replaces arginine with cysteine at codon 1527 of the LRP4 protein (p.Arg1527Cys). The arginine residue is highly conserved and there is a large physicochemical difference between arginine and cysteine. This variant is present in population databases (rs756059712, ExAC 0.001%). This variant has not been reported in the literature in individuals affected with LRP4-related conditions. Algorithms developed to predict the effect of missense changes on protein structure and function (SIFT, PolyPhen-2, Align-GVGD) all suggest that this variant is likely to be disruptive. In summary, the available evidence is currently insufficient to determine the role of this variant in disease. Therefore, it has been classified as a Variant of Uncertain Significance.

NM_002334.4(LRP4):c.4579C>T (p.Arg1527Cys)

Genes: LRP4-AS1 (LRP4 antisense RNA 1; plus strand), LRP4 (LDL receptor related protein 4; minus strand). Cytogenetic location: 11p11.2.
Variant type: single nucleotide variant.
Coding change: c.4579C>T on transcript NM_002334.4 (MANE Select); coding-DNA position 4579, C replaced by T.
Protein change: p.Arg1527Cys; replaces arginine 1527 with cysteine.
Molecular consequence: missense variant. On other transcripts: non-coding transcript variant (1).
Genome position (GRCh38, 1-based): chr11:46,873,104, G>A on the plus strand (C>T on the coding strand, the complement: LRP4 is on the minus strand). VCF-style: chr11-46873104-G-A. GRCh37 (hg19) VCF-style: chr11-46894655-G-A.
Other names: short protein forms R1527C.
Identifiers: ClinVar variation 646163 (VCV000646163.6), dbSNP rs756059712, ClinGen allele CA5969300.